The following is an entry in ClinVar:

NM_005359.6(SMAD4):c.927A>G (p.Ala309=)

Gene: SMAD4 (SMAD family member 4; plus strand). Cytogenetic location: 18q21.2.
Variant type: single nucleotide variant.
Coding change: c.927A>G on transcript NM_005359.6 (MANE Select); coding-DNA position 927, A replaced by G.
Protein change: p.Ala309=; no amino-acid change (alanine 309 retained).
Molecular consequence: synonymous variant.
Genome position (GRCh38, 1-based): chr18:51,059,888, A>G. VCF-style: chr18-51059888-A-G. GRCh37 (hg19) VCF-style: chr18-48586258-A-G.
Identifiers: ClinVar variation 460572 (VCV000460572.20), dbSNP rs369088915, ClinGen allele CA300087397.

ClinVar aggregate classification (germline): Benign/Likely benign. Review status: criteria provided, multiple submitters, no conflicts (2 of 4 stars). 5 submissions from 5 submitters: Benign (1); Likely benign (4). Last evaluated 2025-10-07.

Conditions:
SMAD4-related disorder. Also called: SMAD4-Related disorders; SMAD4-related condition.
Juvenile polyposis syndrome (JPS). Identifiers: Orphanet 2929, MedGen C0345893, MONDO:0017380, OMIM 174900.
Familial thoracic aortic aneurysm and aortic dissection (TAAD). Also called: Thoracic aortic aneurysms and dissections. Identifiers: Orphanet 91387, MedGen C4707243, MONDO:0019625.
Hereditary cancer-predisposing syndrome. Also called: Tumor predisposition; Hereditary neoplastic syndrome; Neoplastic Syndromes, Hereditary; Hereditary Cancer Syndrome. Identifiers: Orphanet 140162, MedGen C0027672, MeSH D009386, MONDO:0015356.
Juvenile polyposis/hereditary hemorrhagic telangiectasia syndrome (JPHT). Also called: Juvenile Polyposis Syndrome / Hereditary Hemorrhagic Telangiectasia (JPS/HHT); JP/HHT SYNDROME; JUVENILE POLYPOSIS WITH HEREDITARY HEMORRHAGIC TELANGIECTASIA; POLYPOSIS, GENERALIZED JUVENILE, WITH PULMONARY ARTERIOVENOUS MALFORMATION; TELANGIECTASIA, HEREDITARY HEMORRHAGIC, WITH JUVENILE POLYPOSIS COLI. Identifiers: Orphanet 2929, MedGen C1832942, MONDO:0008278, OMIM 175050.

Allele frequency attached by ClinVar (database versions not stated): gnomAD 0.00001; TOPMed 0.00001; ESP Exome Variant Server 0.00008.
gnomAD v4.1: 1 of 1,613,252 alleles (0.000062%); highest among the groups gnomAD compares: Non-Finnish European, 0.000085%; no homozygotes.

Submissions (5):

Labcorp Genetics (formerly Invitae), Labcorp
Classification: Likely benign for Juvenile polyposis syndrome. Last evaluated: 2025-10-07. Review status: criteria provided, single submitter. Criteria: Invitae Variant Classification Sherloc (09022015). Collection method: clinical testing. Allele origin: germline.

PreventionGenetics, part of Exact Sciences
Classification: Likely benign for SMAD4-related condition. Last evaluated: 2025-05-12. Review status: criteria provided, single submitter. Criteria: ACMG Guidelines, 2015. Collection method: clinical testing. Allele origin: germline.
Comment: This variant is classified as likely benign based on ACMG/AMP sequence variant interpretation guidelines (Richards et al. 2015 PMID: 25741868, with internal and published modifications).

Myriad Genetics, Inc.
Classification: Benign for Juvenile polyposis/hereditary hemorrhagic telangiectasia syndrome. Last evaluated: 2025-03-20. Review status: criteria provided, single submitter. Criteria: Myriad Autosomal Dominant, Autosomal Recessive and X-Linked Classification Criteria (2023). Collection method: clinical testing. Allele origin: unknown.
Comment: This variant is considered benign. This variant is a silent/synonymous amino acid change and it is not expected to impact splicing.

Color Diagnostics, LLC DBA Color Health
Classification: Likely benign for Hereditary cancer-predisposing syndrome. Last evaluated: 2023-10-02. Review status: criteria provided, single submitter. Criteria: ACMG Guidelines, 2015. Collection method: clinical testing. Allele origin: germline.

Ambry Genetics
Classification: Likely benign for Hereditary cancer-predisposing syndrome; Familial thoracic aortic aneurysm and aortic dissection. Last evaluated: 2019-01-08. Review status: criteria provided, single submitter. Criteria: Ambry Variant Classification Scheme 2023. Collection method: clinical testing. Allele origin: germline.